The following is an entry in ClinVar:

ClinVar aggregate classification (germline): Uncertain significance (1 of 4 stars; one submission).

Conditions:
Congenital muscular dystrophy due to integrin alpha-7 deficiency. Also called: Muscular dystrophy, congenital, due to ITGA7 deficiency; MYOPATHY, CONGENITAL, DUE TO INTEGRIN ALPHA-7 DEFICIENCY; Congenital muscular dystrophy with integrin alpha-7 deficiency. Identifiers: Orphanet 34520, MedGen C2750786, MONDO:0013177, OMIM 613204.

gnomAD v4.1: 5 of 1,613,486 alleles (0.00031%); highest among the groups gnomAD compares: Middle Eastern, 0.016%; no homozygotes.

Submission:

Labcorp Genetics (formerly Invitae), Labcorp
Classification: Uncertain significance for Congenital muscular dystrophy due to integrin alpha-7 deficiency. Last evaluated: 2019-06-20. Review status: criteria provided, single submitter. Criteria: Invitae Variant Classification Sherloc (09022015). Collection method: clinical testing. Allele origin: germline.
Comment: This sequence change replaces arginine with proline at codon 275 of the ITGA7 protein (p.Arg275Pro). The arginine residue is moderately conserved and there is a moderate physicochemical difference between arginine and proline. This variant is present in population databases (rs74867235, ExAC 0.002%). This variant has not been reported in the literature in individuals with ITGA7-related conditions. Algorithms developed to predict the effect of missense changes on protein structure and function are either unavailable or do not agree on the potential impact of this missense change (SIFT: "Tolerated"; PolyPhen-2: "Possibly Damaging"; Align-GVGD: "Class C0"). In summary, the available evidence is currently insufficient to determine the role of this variant in disease. Therefore, it has been classified as a Variant of Uncertain Significance.

NM_002206.3(ITGA7):c.824G>C (p.Arg275Pro)

Gene: ITGA7 (integrin subunit alpha 7; minus strand). Cytogenetic location: 12q13.2.
Variant type: single nucleotide variant.
Coding change: c.824G>C on transcript NM_002206.3 (MANE Select); coding-DNA position 824, G replaced by C.
Protein change: p.Arg275Pro; replaces arginine 275 with proline.
Molecular consequence: missense variant. On other transcripts: 5 prime UTR variant (1).
Genome position (GRCh38, 1-based): chr12:55,698,884, C>G on the plus strand (G>C on the coding strand, the complement: ITGA7 is on the minus strand). VCF-style: chr12-55698884-C-G. GRCh37 (hg19) VCF-style: chr12-56092668-C-G.
Other names: c.836G>C, p.Arg279Pro (NM_001144996.2, NM_001414029.1, NM_001414030.1); c.545G>C, p.Arg182Pro (NM_001144997.2); c.497G>C, p.Arg166Pro (NM_001367993.1); c.-469G>C (NM_001367994.1); c.824G>C, p.Arg275Pro (NM_001374465.1, NM_001414031.1, NM_001414034.1); c.956G>C, p.Arg319Pro (NM_001410977.1); c.704G>C, p.Arg235Pro (NM_001414032.1); c.641G>C, p.Arg214Pro (NM_001414033.1); and 1 more; short protein forms R166P, R182P, R275P, R279P, R319P, R235P, R162P, R214P.
Identifiers: ClinVar variation 935223 (VCV000935223.9), dbSNP rs74867235, ClinGen allele CA6616145.